The following is an entry in ClinVar:

NC_000010.10:g.(?_104352329)_(104353832_?)del

Gene: SUFU (SUFU negative regulator of hedgehog signaling; plus strand). Cytogenetic location: 10q24.32.
Variant type: Deletion.
Identifiers: ClinVar variation 1074434 (VCV001074434.10).

ClinVar aggregate classification (germline): Pathogenic (1 of 4 stars; one submission).

Conditions:
Gorlin syndrome. Also called: Basal cell nevus syndrome; Nevoid Basal Cell Carcinoma Syndrome. Identifiers: Orphanet 377, MedGen C0004779, MONDO:0007187.
Medulloblastoma (MDB). Also called: Medulloblastoma, somatic; MEDULLOBLASTOMA PREDISPOSITION SYNDROME. Identifiers: Orphanet 616, MedGen C0025149, MeSH D008527, MONDO:0007959, OMIM 155255, HP:0002885.

Submission:

Labcorp Genetics (formerly Invitae), Labcorp
Classification: Pathogenic for Gorlin syndrome; Medulloblastoma. Last evaluated: 2020-02-26. Review status: criteria provided, single submitter. Criteria: Invitae Variant Classification Sherloc (09022015). Collection method: clinical testing. Allele origin: germline.
Comment: For these reasons, this variant has been classified as Pathogenic. Loss-of-function variants in SUFU are known to be pathogenic (PMID: 22508808, 25403219). This variant has been observed in individual(s) with basal cell nevus syndrome (Invitae). This variant is an out-of-frame deletion of the genomic region encompassing exon(s) 4-6 of the SUFU gene. This is expected to create a premature translational stop signal and result in an absent or disrupted protein product.

Literature cited by the submitters: PubMed 22508808; PubMed 25403219.